The following is an entry in ClinVar:

NM_001330078.2(NRXN1):c.3586G>A (p.Asp1196Asn)

Gene: NRXN1 (neurexin 1; minus strand). Cytogenetic location: 2p16.3.
Variant type: single nucleotide variant.
Coding change: c.3586G>A on transcript NM_001330078.2 (MANE Select); coding-DNA position 3586, G replaced by A.
Protein change: p.Asp1196Asn; replaces aspartic acid 1196 with asparagine.
Molecular consequence: missense variant.
Genome position (GRCh38, 1-based): chr2:50,091,455, C>T on the plus strand (G>A on the coding strand, the complement: NRXN1 is on the minus strand). VCF-style: chr2-50091455-C-T. GRCh37 (hg19) VCF-style: chr2-50318593-C-T.
Other names: c.3706G>A, p.Asp1236Asn (NM_001135659.3); c.3562G>A, p.Asp1188Asn (NM_001330077.2, NM_001330082.2); c.3520G>A, p.Asp1174Asn (NM_001330083.2, NM_001330084.2); c.3559G>A, p.Asp1187Asn (NM_001330085.2); c.3586G>A, p.Asp1196Asn (NM_001330086.2, NM_004801.6); c.3475G>A, p.Asp1159Asn (NM_001330087.2, NM_001330096.2); c.3505G>A, p.Asp1169Asn (NM_001330088.2); c.481G>A, p.Asp161Asn (NM_001330091.2, NM_001330092.2, NM_001330097.2 and 1 more transcripts); and 3 more; short protein forms D1159N, D1169N, D1174N, D1179N, D1187N, D1188N, D1192N, D1195N.
Identifiers: ClinVar variation 1014940 (VCV001014940.8), dbSNP rs961500126, ClinGen allele CA47843168.

ClinVar aggregate classification (germline): Uncertain significance (1 of 4 stars; one submission).

Conditions:
Pitt-Hopkins-like syndrome 2 (PTHSL2). Identifiers: Orphanet 221150, Orphanet 600663, MedGen C3280479, MONDO:0013690, OMIM 614325.

Allele frequency attached by ClinVar (database versions not stated): TOPMed below 0.00001.

Submission:

Labcorp Genetics (formerly Invitae), Labcorp
Classification: Uncertain significance for Pitt-Hopkins-like syndrome 2. Last evaluated: 2020-10-03. Review status: criteria provided, single submitter. Criteria: Invitae Variant Classification Sherloc (09022015). Collection method: clinical testing. Allele origin: germline.
Comment: In summary, the available evidence is currently insufficient to determine the role of this variant in disease. Therefore, it has been classified as a Variant of Uncertain Significance. Algorithms developed to predict the effect of missense changes on protein structure and function are either unavailable or do not agree on the potential impact of this missense change (SIFT: "Tolerated"; PolyPhen-2: "Probably Damaging"; Align-GVGD: "Class C0"). This variant has not been reported in the literature in individuals with NRXN1-related conditions. This variant is not present in population databases (ExAC no frequency). This sequence change replaces aspartic acid with asparagine at codon 1236 of the NRXN1 protein (p.Asp1236Asn). The aspartic acid residue is highly conserved and there is a small physicochemical difference between aspartic acid and asparagine.